The following is an entry in ClinVar:

NM_152703.5(SAMD9L):c.9A>C (p.Lys3Asn)

Gene: SAMD9L (sterile alpha motif domain containing 9 like; minus strand). Cytogenetic location: 7q21.2.
Variant type: single nucleotide variant.
Coding change: c.9A>C on transcript NM_152703.5 (MANE Select); coding-DNA position 9, A replaced by C.
Protein change: p.Lys3Asn; replaces lysine 3 with asparagine.
Molecular consequence: missense variant.
Genome position (GRCh38, 1-based): chr7:93,135,963, T>G on the plus strand (A>C on the coding strand, the complement: SAMD9L is on the minus strand). VCF-style: chr7-93135963-T-G. GRCh37 (hg19) VCF-style: chr7-92765276-T-G.
Other names: c.9A>C, p.Lys3Asn (NM_001303496.3, NM_001303497.3, NM_001303498.3 and 5 more transcripts); short protein forms K3N.
Identifiers: ClinVar variation 3949899 (VCV003949899.2).

ClinVar aggregate classification (germline): Uncertain significance. Review status: criteria provided, multiple submitters, no conflicts (2 of 4 stars). 2 submissions from 2 submitters: Uncertain significance (2). Last evaluated 2025-05-04.

Conditions:
Inborn genetic diseases. Identifiers: MedGen C0950123, MeSH D030342.

Submissions (2):

Ambry Genetics
Classification: Uncertain significance for Inborn genetic diseases. Last evaluated: 2025-05-04. Review status: criteria provided, single submitter. Criteria: Ambry Variant Classification Scheme 2023. Collection method: clinical testing. Allele origin: germline.
Comment: The p.K3N variant (also known as c.9A>C), located in coding exon 1 of the SAMD9L gene, results from an A to C substitution at nucleotide position 9. The lysine at codon 3 is replaced by asparagine, an amino acid with similar properties. This amino acid position is conserved. In addition, this alteration is predicted to be tolerated by in silico analysis. Based on the available evidence, the clinical significance of this variant remains unclear.

Blueprint Genetics
Classification: Uncertain significance. Last evaluated: 2024-06-10. Review status: criteria provided, single submitter. Criteria: ACMG Guidelines, 2015. Collection method: clinical testing. Allele origin: germline.